The following is an entry in ClinVar:

NM_001042492.3(NF1):c.2626dup (p.Ser876fs)

Gene: NF1 (neurofibromin 1; plus strand). Cytogenetic location: 17q11.2.
Variant type: Duplication.
Coding change: c.2626dup on transcript NM_001042492.3 (MANE Select); coding-DNA position 2626, one base duplicated (T; older notation c.2626dupT).
Protein change: p.Ser876fs; shifts the reading frame from serine 876.
Molecular consequence: frameshift variant.
Genome position (GRCh38, 1-based): chr17:31,229,241, T duplicated; the last of 2 consecutive T bases (chr17:31,229,240-31,229,241); duplicating either gives the same sequence. VCF-style (leftmost placement, unchanged base first): chr17-31229239-G-GT. GRCh37 (hg19) VCF-style: chr17-29556257-G-GT.
Other names: c.2626dup, p.Ser876Phefs (NM_000267.4); short protein forms S876fs.
Identifiers: ClinVar variation 1385888 (VCV001385888.6), dbSNP rs770417659, ClinGen allele CA2573153305.

ClinVar aggregate classification (germline): Pathogenic (1 of 4 stars; one submission).

Conditions:
Neurofibromatosis, type 1 (NF1). Also called: VON RECKLINGHAUSEN DISEASE; Peripheral type neurofibromatosis; Neurofibromatosis, type I; NEUROFIBROMATOSIS, TYPE I, SOMATIC. Identifiers: Orphanet 636, MedGen C0027831, MONDO:0018975, OMIM 162200. Disease mechanism: loss of function.

Submission:

Labcorp Genetics (formerly Invitae), Labcorp
Classification: Pathogenic for Neurofibromatosis, type 1. Last evaluated: 2020-10-19. Review status: criteria provided, single submitter. Criteria: Invitae Variant Classification Sherloc (09022015). Collection method: clinical testing. Allele origin: germline.
Comment: This sequence change creates a premature translational stop signal (p.Ser876Phefs*30) in the NF1 gene. It is expected to result in an absent or disrupted protein product. Loss-of-function variants in NF1 are known to be pathogenic (PMID: 10712197, 23913538). For these reasons, this variant has been classified as Pathogenic. This variant has not been reported in the literature in individuals with NF1-related conditions. This variant is not present in population databases (ExAC no frequency).

Literature cited by the submitters: PubMed 10712197; PubMed 23913538.